The following is an entry in ClinVar:

ClinVar aggregate classification (germline): Likely benign. Review status: criteria provided, single submitter (1 of 4 stars). 2 submissions from 2 submitters: Likely benign (1). 1 of the submissions does not count toward it. Last evaluated 2025-01-07.

Conditions:
Cohen syndrome (COH1). Also called: PEPPER SYNDROME; Cutis verticis gyrata, retinitis pigmentosa, and sensorineural deafness. Identifiers: Orphanet 193, MedGen C0265223, MONDO:0008999, OMIM 216550.
VPS13B-related disorder. Also called: VPS13B-related condition.

Allele frequency attached by ClinVar (database versions not stated): ExAC 0.00001; gnomAD 0.00003.
gnomAD v4.1: 5 of 1,613,906 alleles (0.00031%); highest among the groups gnomAD compares: African/African-American, 0.0013%; no homozygotes.

Submissions (2):

Labcorp Genetics (formerly Invitae), Labcorp
Classification: Likely benign for Cohen syndrome. Last evaluated: 2025-01-07. Review status: criteria provided, single submitter. Criteria: Invitae Variant Classification Sherloc (09022015). Collection method: clinical testing. Allele origin: germline.

PreventionGenetics, part of Exact Sciences
Classification: Likely benign for VPS13B-related condition. Last evaluated: 2024-05-31. Review status: no assertion criteria provided. Collection method: clinical testing. Allele origin: germline. Not counted in ClinVar's aggregate classification.
Comment: This variant is classified as likely benign based on ACMG/AMP sequence variant interpretation guidelines (Richards et al. 2015 PMID: 25741868, with internal and published modifications).

NM_152564.5(VPS13B):c.9942+9G>T

Gene: VPS13B (vacuolar protein sorting 13 homolog B; plus strand). Cytogenetic location: 8q22.2.
Variant type: single nucleotide variant.
Coding change: c.9942+9G>T on transcript NM_152564.5 (MANE Select); 9 bases into the intron after coding-DNA position 9942, G replaced by T.
Molecular consequence: intron variant.
Genome position (GRCh38, 1-based): chr8:99,835,747, G>T. VCF-style: chr8-99835747-G-T. GRCh37 (hg19) VCF-style: chr8-100847975-G-T.
Other names: c.9942+9G>T (NM_152564.4); c.10017+9G>T (NM_017890.5).
Identifiers: ClinVar variation 528863 (VCV000528863.11), dbSNP rs942110632, ClinGen allele CA4824827.